The following is an entry in ClinVar:

ClinVar aggregate classification (germline): Likely benign (0 of 4 stars; one submission).

Conditions:
LRRC45-related disorder. Also called: LRRC45-related condition.

gnomAD v4.1: 583 of 1,601,106 alleles (0.036%); highest among the groups gnomAD compares: South Asian, 0.61%; 9 homozygotes.

Submission:

PreventionGenetics, part of Exact Sciences
Classification: Likely benign for LRRC45-related condition. Last evaluated: 2024-08-09. Review status: no assertion criteria provided. Collection method: clinical testing. Allele origin: germline.
Comment: This variant is classified as likely benign based on ACMG/AMP sequence variant interpretation guidelines (Richards et al. 2015 PMID: 25741868, with internal and published modifications).

NM_144999.4(LRRC45):c.658G>A (p.Val220Met)

Gene: LRRC45 (leucine rich repeat containing 45; plus strand). Cytogenetic location: 17q25.3.
Variant type: single nucleotide variant.
Coding change: c.658G>A on transcript NM_144999.4 (MANE Select); coding-DNA position 658, G replaced by A.
Protein change: p.Val220Met; replaces valine 220 with methionine.
Molecular consequence: missense variant.
Genome position (GRCh38, 1-based): chr17:82,025,504, G>A. VCF-style: chr17-82025504-G-A. GRCh37 (hg19) VCF-style: chr17-79983380-G-A.
Other names: short protein forms V220M.
Identifiers: ClinVar variation 3352701 (VCV003352701.1).